The following is an entry in ClinVar:

ClinVar aggregate classification (germline): Uncertain significance (1 of 4 stars; one submission).

Allele frequency attached by ClinVar (database versions not stated): gnomAD exomes below 0.00001.

Submission:

GeneDx
Classification: Uncertain significance. Last evaluated: 2022-07-29. Review status: criteria provided, single submitter. Criteria: GeneDx Variant Classification Process June 2021. Collection method: clinical testing. Allele origin: germline. Affected: yes.
Comment: In silico analysis supports that this missense variant has a deleterious effect on protein structure/function; Has not been previously published as pathogenic or benign to our knowledge

NM_198947.4(FAM111B):c.1916T>C (p.Leu639Pro)

Gene: FAM111B (FAM111 trypsin like peptidase B; plus strand). Cytogenetic location: 11q12.1.
Variant type: single nucleotide variant.
Coding change: c.1916T>C on transcript NM_198947.4 (MANE Select); coding-DNA position 1916, T replaced by C.
Protein change: p.Leu639Pro; replaces leucine 639 with proline.
Molecular consequence: missense variant.
Genome position (GRCh38, 1-based): chr11:59,126,013, T>C. VCF-style: chr11-59126013-T-C. GRCh37 (hg19) VCF-style: chr11-58893486-T-C.
Other names: c.1826T>C, p.Leu609Pro (NM_001142703.2, NM_001142704.2); short protein forms L609P, L639P.
Identifiers: ClinVar variation 2412841 (VCV002412841.3), dbSNP rs1185896284, ClinGen allele CA380762954.